The following is an entry in ClinVar:

NM_006035.4(CDC42BPB):c.3833G>A (p.Cys1278Tyr)

Gene: CDC42BPB (CDC42 binding protein kinase beta; minus strand). Cytogenetic location: 14q32.32.
Variant type: single nucleotide variant.
Coding change: c.3833G>A on transcript NM_006035.4 (MANE Select); coding-DNA position 3833, G replaced by A.
Protein change: p.Cys1278Tyr; replaces cysteine 1278 with tyrosine.
Molecular consequence: missense variant.
Genome position (GRCh38, 1-based): chr14:102,944,466, C>T on the plus strand (G>A on the coding strand, the complement: CDC42BPB is on the minus strand). VCF-style: chr14-102944466-C-T. GRCh37 (hg19) VCF-style: chr14-103410803-C-T.
Other names: c.3755G>A, p.Cys1252Tyr (NM_001411054.1); short protein forms C1278Y, C1252Y.
Identifiers: ClinVar variation 4525922 (VCV004525922.1).

ClinVar aggregate classification (germline): Uncertain significance (1 of 4 stars; one submission).

gnomAD v4.1: 7 of 1,611,896 alleles (0.00043%); highest among the groups gnomAD compares: Admixed American, 0.0067%; no homozygotes.

Submission:

Women's Health and Genetics/Laboratory Corporation of America, LabCorp
Classification: Uncertain significance. Last evaluated: 2025-07-14. Review status: criteria provided, single submitter. Criteria: LabCorp Variant Classification Summary - May 2015. Collection method: clinical testing. Allele origin: germline.
Comment: Variant summary: CDC42BPB c.3833G>A (p.Cys1278Tyr) results in a non-conservative amino acid change in the encoded protein sequence. Algorithms developed to predict the effect of missense changes on protein structure and function are either unavailable or do not agree on the potential impact of this missense change. The variant allele was found at a frequency of 1.6e-05 in 246774 control chromosomes. The available data on variant occurrences in the general population are insufficient to allow any conclusion about variant significance. To our knowledge, no occurrence of c.3833G>A in individuals affected with Chilton-Okur Neurodevelopmental Syndrome and no experimental evidence demonstrating its impact on protein function have been reported. No submitters have cited clinical-significance assessments for this variant to ClinVar. Based on the evidence outlined above, the variant was classified as uncertain significance.